The following is an entry in ClinVar:

ClinVar aggregate classification (germline): Uncertain significance (1 of 4 stars; one submission).

Allele frequency attached by ClinVar (database versions not stated): gnomAD exomes below 0.00001.
gnomAD v4.1: 1 of 1,613,914 alleles (0.000062%); highest among the groups gnomAD compares: Non-Finnish European, 0.000085%; no homozygotes.

Submission:

Laboratorio de Genetica e Diagnostico Molecular, Hospital Israelita Albert Einstein
Classification: Uncertain significance. Last evaluated: 2019-10-07. Review status: criteria provided, single submitter. Criteria: ACMG Guidelines, 2015. Collection method: clinical testing. Allele origin: germline. Affected: yes.
Comment: ACMG classification criteria: PM2, BP1

NM_138927.4(SON):c.2734G>C (p.Asp912His)

Gene: SON (SON DNA and RNA binding protein; plus strand). Cytogenetic location: 21q22.11.
Variant type: single nucleotide variant.
Coding change: c.2734G>C on transcript NM_138927.4 (MANE Select); coding-DNA position 2734, G replaced by C.
Protein change: p.Asp912His; replaces aspartic acid 912 with histidine.
Molecular consequence: missense variant. On other transcripts: non-coding transcript variant (1), intron variant (1).
Genome position (GRCh38, 1-based): chr21:33,551,965, G>C. VCF-style: chr21-33551965-G-C. GRCh37 (hg19) VCF-style: chr21-34924271-G-C.
Other names: c.2734G>C, p.Asp912His (NM_001291411.2, NM_032195.3); c.245-5191G>C (NM_001291412.3); short protein forms D912H.
Identifiers: ClinVar variation 1690700 (VCV001690700.2), dbSNP rs2145825500, ClinGen allele CA410158639.